The following is an entry in ClinVar:

ClinVar aggregate classification (germline): Pathogenic (1 of 4 stars; one submission).

Conditions:
Congenital hyperammonemia, type I. Also called: CPS I DEFICIENCY; Carbamoyl phosphate synthetase 1 deficiency; Hyperammonemia due to carbamoyl phosphate synthetase 1 deficiency; CPS 1 deficiency; Carbamyl phosphate synthetase (CPS) deficiency; Carbamoyl phosphate synthetase I deficiency disease. Identifiers: Orphanet 147, MedGen C4082171, MONDO:0009376, OMIM 237300.

Submission:

Myriad Genetics, Inc.
Classification: Pathogenic for Congenital hyperammonemia, type I. Last evaluated: 2023-08-10. Review status: criteria provided, single submitter. Criteria: Myriad Autosomal Dominant, Autosomal Recessive and X-Linked Classification Criteria (2023). Collection method: clinical testing. Allele origin: unknown.
Comment: NM_001875.4(CPS1):c.2995_2996delAG(S999Yfs*19) is expected to be pathogenic in the context of carbamoylphosphate synthetase I deficiency. This variant is predicted to lead to an abnormal or absent protein product due to the creation of a premature termination codon in CPS1, a gene where loss-of-function variants are known to be pathogenic. Please note: this variant was assessed in the context of healthy population screening.

NM_001875.5(CPS1):c.2995_2996del (p.Ser999fs)

Gene: CPS1 (carbamoyl-phosphate synthase 1; plus strand). Cytogenetic location: 2q34.
Variant type: Deletion.
Coding change: c.2995_2996del on transcript NM_001875.5 (MANE Select); coding-DNA positions 2995 to 2996, 2 bases deleted (AG; older notation c.2995_2996delAG).
Protein change: p.Ser999fs; shifts the reading frame from serine 999.
Molecular consequence: frameshift variant. On other transcripts: non-coding transcript variant (2).
Genome position (GRCh38, 1-based): chr2:210,642,519-210,642,520, AG deleted. VCF-style (leftmost placement, unchanged base first): chr2-210642518-TAG-T. GRCh37 (hg19) VCF-style: chr2-211507242-TAG-T.
Other names: c.2995_2996del, p.Ser999fs (NM_001122633.3, NM_001369257.1); c.3028_3029del, p.Ser1010fs (NM_001369256.1); short protein forms S1010fs, S999fs.
Identifiers: ClinVar variation 5010477 (VCV005010477.1).